The following is an entry in ClinVar:

ClinVar aggregate classification (germline): Uncertain significance (1 of 4 stars; one submission).

Conditions:
Cardiovascular phenotype. Identifiers: MedGen CN230736.

gnomAD v4.1: 1 of 1,612,730 alleles (0.000062%); highest among the groups gnomAD compares: Non-Finnish European, 0.000085%; no homozygotes.

Submission:

Ambry Genetics
Classification: Uncertain significance for Cardiovascular phenotype. Last evaluated: 2025-01-11. Review status: criteria provided, single submitter. Criteria: Ambry Variant Classification Scheme 2023. Collection method: clinical testing. Allele origin: germline.
Comment: The p.R99Q variant (also known as c.296G>A), located in coding exon 3 of the SOS1 gene, results from a G to A substitution at nucleotide position 296. The arginine at codon 99 is replaced by glutamine, an amino acid with highly similar properties. This amino acid position is conserved. In addition, the in silico prediction for this alteration is inconclusive. Based on the available evidence, the clinical significance of this variant remains unclear.

NM_005633.4(SOS1):c.296G>A (p.Arg99Gln)

Gene: SOS1 (SOS Ras/Rac guanine nucleotide exchange factor 1; minus strand). Cytogenetic location: 2p22.1.
Variant type: single nucleotide variant.
Coding change: c.296G>A on transcript NM_005633.4 (MANE Select); coding-DNA position 296, G replaced by A.
Protein change: p.Arg99Gln; replaces arginine 99 with glutamine.
Molecular consequence: missense variant.
Genome position (GRCh38, 1-based): chr2:39,058,722, C>T on the plus strand (G>A on the coding strand, the complement: SOS1 is on the minus strand). VCF-style: chr2-39058722-C-T. GRCh37 (hg19) VCF-style: chr2-39285863-C-T.
Other names: c.275G>A, p.Arg92Gln (NM_001382394.1); c.296G>A, p.Arg99Gln (NM_001382395.1); short protein forms R99Q, R92Q.
Identifiers: ClinVar variation 3799905 (VCV003799905.1).